The following is an entry in ClinVar:

ClinVar aggregate classification (germline): Benign/Likely benign. Review status: criteria provided, multiple submitters, no conflicts (2 of 4 stars). 4 submissions from 4 submitters: Benign (2); Likely benign (2). Last evaluated 2026-01-01.

Allele frequency attached by ClinVar (database versions not stated): ESP Exome Variant Server 0.00015; gnomAD exomes 0.00050 and 0.00137; gnomAD 0.00053 and 0.00072; TOPMed 0.00082; ExAC 0.00129; 1000 Genomes Project 30x 0.00406; 1000 Genomes Project 0.00459.
gnomAD v4.1: 953 of 1,613,468 alleles (0.059%); highest among the groups gnomAD compares: East Asian, 1.5%; 7 homozygotes.

Submissions (4):

CeGaT Center for Human Genetics Tuebingen
Classification: Likely benign. Last evaluated: 2026-01-01. Review status: criteria provided, single submitter. Criteria: CeGaT Center For Human Genetics Tuebingen Variant Classification Criteria Version 2. Collection method: clinical testing. Allele origin: germline. Affected: yes. Observed: 1 variant allele.
Comment: ATP11A: BP4, BP7, BS1

Blueprint Genetics
Classification: Likely benign. Last evaluated: 2024-11-20. Review status: criteria provided, single submitter. Criteria: ACMG Guidelines, 2015. Collection method: clinical testing. Allele origin: germline.

Labcorp Genetics (formerly Invitae), Labcorp
Classification: Benign. Last evaluated: 2019-12-31. Review status: criteria provided, single submitter. Criteria: Invitae Variant Classification Sherloc (09022015). Collection method: clinical testing. Allele origin: germline.

Breakthrough Genomics
Classification: Benign. Review status: criteria provided, single submitter. Criteria: ACMG Guidelines, 2015. Collection method: not provided. Allele origin: germline. Inheritance: Autosomal dominant inheritance. Affected: yes.

NM_015205.3(ATP11A):c.2124G>A (p.Thr708=)

Gene: ATP11A (ATPase phospholipid transporting 11A; plus strand). Cytogenetic location: 13q34.
Variant type: single nucleotide variant.
Coding change: c.2124G>A on transcript NM_015205.3 (MANE Select); coding-DNA position 2124, G replaced by A.
Protein change: p.Thr708=; no amino-acid change (threonine 708 retained).
Molecular consequence: synonymous variant.
Genome position (GRCh38, 1-based): chr13:112,854,411, G>A. VCF-style: chr13-112854411-G-A. GRCh37 (hg19) VCF-style: chr13-113508725-G-A.
Other names: c.2124G>A, p.Thr708= (NM_032189.4).
Identifiers: ClinVar variation 773851 (VCV000773851.10), dbSNP rs149989045, ClinGen allele CA7057048.